The following is an entry in ClinVar:

ClinVar aggregate classification (germline): Uncertain significance (1 of 4 stars; one submission).

Conditions:
Hereditary cancer-predisposing syndrome. Also called: Tumor predisposition; Neoplastic Syndromes, Hereditary; Hereditary neoplastic syndrome; Hereditary Cancer Syndrome. Identifiers: Orphanet 140162, MedGen C0027672, MeSH D009386, MONDO:0015356.

Submission:

Ambry Genetics
Classification: Uncertain significance for Hereditary cancer-predisposing syndrome. Last evaluated: 2025-08-27. Review status: criteria provided, single submitter. Criteria: Ambry Variant Classification Scheme 2023. Collection method: clinical testing. Allele origin: germline.
Comment: The p.V528F variant (also known as c.1582G>T), located in coding exon 16 of the MUTYH gene, results from a G to T substitution at nucleotide position 1582. The valine at codon 528 is replaced by phenylalanine, an amino acid with highly similar properties. This amino acid position is conserved. In addition, this alteration is predicted to be tolerated by in silico analysis. Based on the available evidence, the clinical significance of this variant remains unclear.

NM_001048174.2(MUTYH):c.1498G>T (p.Val500Phe)

Gene: MUTYH (mutY DNA glycosylase; minus strand). Cytogenetic location: 1p34.1.
Variant type: single nucleotide variant.
Coding change: c.1498G>T on transcript NM_001048174.2 (MANE Select); coding-DNA position 1498, G replaced by T.
Protein change: p.Val500Phe; replaces valine 500 with phenylalanine.
Molecular consequence: missense variant. On other transcripts: non-coding transcript variant (7).
Genome position (GRCh38, 1-based): chr1:45,329,374, C>A on the plus strand (G>T on the coding strand, the complement: MUTYH is on the minus strand). VCF-style: chr1-45329374-C-A. GRCh37 (hg19) VCF-style: chr1-45795046-C-A.
Other names: c.1498G>T, p.Val500Phe (NM_001048171.2, NM_001048173.2, NM_001293195.2 and 6 more transcripts); c.1501G>T, p.Val501Phe (NM_001048172.2, NM_001407071.1, NM_001407078.1 and 1 more transcripts); c.1582G>T, p.Val528Phe (NM_001128425.2); c.1543G>T, p.Val515Phe (NM_001293190.2); c.1531G>T, p.Val511Phe (NM_001293191.2, NM_001407069.1, NM_001407077.1); c.1222G>T, p.Val408Phe (NM_001293192.2, NM_001293196.2, NM_001407091.1); c.1153G>T, p.Val385Phe (NM_001350650.2, NM_001350651.2, NM_001407082.1); c.1414G>T, p.Val472Phe (NM_001407075.1); and 5 more; short protein forms V385F, V408F, V528F, V501F, V514F, V515F, V525F, V472F.
Identifiers: ClinVar variation 4113396 (VCV004113396.1).